The following is an entry in ClinVar:

ClinVar aggregate classification (germline): Uncertain significance (1 of 4 stars; one submission).

Submission:

GeneDx
Classification: Uncertain significance. Last evaluated: 2023-12-18. Review status: criteria provided, single submitter. Criteria: GeneDx Variant Classification Process June 2021. Collection method: clinical testing. Allele origin: germline. Affected: yes.
Comment: Not observed at significant frequency in large population cohorts (gnomAD); In silico analysis supports that this missense variant has a deleterious effect on protein structure/function; Has not been previously published as pathogenic or benign to our knowledge

NM_004168.4(SDHA):c.1952A>T (p.Glu651Val)

Gene: SDHA (succinate dehydrogenase complex flavoprotein subunit A; plus strand). Cytogenetic location: 5p15.33.
Variant type: single nucleotide variant.
Coding change: c.1952A>T on transcript NM_004168.4 (MANE Select); coding-DNA position 1952, A replaced by T.
Protein change: p.Glu651Val; replaces glutamic acid 651 with valine.
Molecular consequence: missense variant.
Genome position (GRCh38, 1-based): chr5:256,377, A>T. VCF-style: chr5-256377-A-T. GRCh37 (hg19) VCF-style: chr5-256492-A-T.
Other names: c.1808A>T, p.Glu603Val (NM_001294332.2); c.1709A>T, p.Glu570Val (NM_001330758.2); short protein forms E570V, E603V, E651V.
Identifiers: ClinVar variation 3369953 (VCV003369953.1).